The following is an entry in ClinVar:

ClinVar aggregate classification (germline): Likely pathogenic (1 of 4 stars; one submission).

Submission:

GeneDx
Classification: Likely pathogenic. Last evaluated: 2017-10-03. Review status: criteria provided, single submitter. Criteria: GeneDx Variant Classification (06012015). Collection method: clinical testing. Allele origin: germline. Affected: yes.
Comment: The L208P variant in the CACNA1G gene has not been reported previously as a pathogenic variant, nor as a benign variant, to our knowledge. This variant is not observed in large population cohorts (Lek et al., 2016). The L208P variant is a semi-conservative amino acid substitution, which may impact secondary protein structure as these residues differ in some properties. In addition, this substitution occurs at a position that is conserved across species, and in silico analysis predicts this variant is probably damaging to the protein structure/function. We therefore interpret L208P as a likely pathogenic variant.

NM_018896.5(CACNA1G):c.623T>C (p.Leu208Pro)

Gene: CACNA1G (calcium voltage-gated channel subunit alpha1 G; plus strand). Cytogenetic location: 17q21.33.
Variant type: single nucleotide variant.
Coding change: c.623T>C on transcript NM_018896.5 (MANE Select); coding-DNA position 623, T replaced by C.
Protein change: p.Leu208Pro; replaces leucine 208 with proline.
Molecular consequence: missense variant. On other transcripts: non-coding transcript variant (5).
Genome position (GRCh38, 1-based): chr17:50,571,914, T>C. VCF-style: chr17-50571914-T-C. GRCh37 (hg19) VCF-style: chr17-48649275-T-C.
Other names: c.623T>C, p.Leu208Pro (NM_001256324.2, NM_001256325.2, NM_001256326.2 and 24 more transcripts); short protein forms L208P.
Identifiers: ClinVar variation 452482 (VCV000452482.2), dbSNP rs1555638141, ClinGen allele CA400230697.
Genomic context (GRCh38, chr17:50,571,914, plus strand): 5'-CCAGCGTGGCTTCTGCCCCCACAGGCATGCGCATCCTTGTCACGTTGCTGCTGGATACGC[T>C]GCCCATGCTGGGCAACGTCCTGCTGCTCTGCTTCTTCGTCTTCTTCATCTTCGGCATCGT-3'
Protein context (NP_061496.2, residues 198-218): RILVTLLLDT[Leu208Pro]PMLGNVLLLC